The following is an entry in ClinVar:

NM_016529.6(ATP8A2):c.2557G>A (p.Ala853Thr)

Gene: ATP8A2 (ATPase phospholipid transporting 8A2). Cytogenetic location: 13q12.13.
Variant type: single nucleotide variant.
Coding change: c.2557G>A on transcript NM_016529.6 (MANE Select); coding-DNA position 2557, G replaced by A.
Protein change: p.Ala853Thr; replaces alanine 853 with threonine.
Molecular consequence: missense variant.
Genome position (GRCh38, 1-based): chr13:25,769,218, G>A. VCF-style: chr13-25769218-G-A. GRCh37 (hg19) VCF-style: chr13-26343356-G-A.
Other names: c.2437G>A, p.Ala813Thr (NM_001313741.1); c.2557G>A, p.Ala853Thr (NM_001411005.1, NM_001411006.1); c.2557G>A (NM_016529.4); short protein forms A853T, A813T.
Identifiers: ClinVar variation 1923096 (VCV001923096.6), dbSNP rs770750344, ClinGen allele CA6923355.
Genomic context (GRCh38, chr13:25,769,218, plus strand): 5'-CACGTGGGTGTGGGAATCAGTGGGAATGAAGGCATGCAGGCCACCAACAACTCGGATTAC[G>A]CCATCGCACAGGTCAGCAGCTTGGGCGTCCAGCTGCCCTGTCCTGTTGAGAGATGATAGC-3'
Protein context (NP_057613.4, residues 843-863): GMQATNNSDY[Ala853Thr]IAQFSYLEKL

ClinVar aggregate classification (germline): Uncertain significance. Review status: criteria provided, multiple submitters, no conflicts (2 of 4 stars). 2 submissions from 2 submitters: Uncertain significance (2). Last evaluated 2025-09-10.

Conditions:
Inborn genetic diseases. Identifiers: MedGen C0950123, MeSH D030342.

Allele frequency attached by ClinVar (database versions not stated): ExAC 0.00002; TOPMed 0.00002; gnomAD 0.00003; gnomAD exomes 0.00003.
gnomAD v4.1: 50 of 1,610,604 alleles (0.0031%); highest among the groups gnomAD compares: Non-Finnish European, 0.0023%; no homozygotes.

Submissions (2):

Ambry Genetics
Classification: Uncertain significance for Inborn genetic diseases. Last evaluated: 2025-09-10. Review status: criteria provided, single submitter. Criteria: Ambry Variant Classification Scheme 2023. Collection method: clinical testing. Allele origin: germline.

Labcorp Genetics (formerly Invitae), Labcorp
Classification: Uncertain significance. Last evaluated: 2022-04-11. Review status: criteria provided, single submitter. Criteria: Invitae Variant Classification Sherloc (09022015). Collection method: clinical testing. Allele origin: germline.
Comment: In summary, the available evidence is currently insufficient to determine the role of this variant in disease. Therefore, it has been classified as a Variant of Uncertain Significance. Algorithms developed to predict the effect of missense changes on protein structure and function are either unavailable or do not agree on the potential impact of this missense change (SIFT: "Deleterious"; PolyPhen-2: "Possibly Damaging"; Align-GVGD: "Class C0"). This variant has not been reported in the literature in individuals affected with ATP8A2-related conditions. This variant is present in population databases (rs770750344, gnomAD 0.02%). This sequence change replaces alanine, which is neutral and non-polar, with threonine, which is neutral and polar, at codon 853 of the ATP8A2 protein (p.Ala853Thr).